The following is an entry in ClinVar:

ClinVar aggregate classification (germline): Uncertain significance (1 of 4 stars; one submission).

Conditions:
Epileptic encephalopathy. Identifiers: MedGen C0543888, HP:0200134.

Allele frequency attached by ClinVar (database versions not stated): TOPMed below 0.00001; gnomAD 0.00002; ExAC 0.00009.
gnomAD v4.1: 25 of 1,561,468 alleles (0.0016%); highest among the groups gnomAD compares: Non-Finnish European, 0.0017%; no homozygotes.

Submission:

Labcorp Genetics (formerly Invitae), Labcorp
Classification: Uncertain significance for Epileptic encephalopathy. Last evaluated: 2024-01-10. Review status: criteria provided, single submitter. Criteria: Invitae Variant Classification Sherloc (09022015). Collection method: clinical testing. Allele origin: germline.
Comment: This sequence change replaces valine, which is neutral and non-polar, with leucine, which is neutral and non-polar, at codon 2296 of the FASN protein (p.Val2296Leu). This variant is present in population databases (rs773891955, gnomAD 0.009%). This variant has not been reported in the literature in individuals affected with FASN-related conditions. An algorithm developed to predict the effect of missense changes on protein structure and function (PolyPhen-2) suggests that this variant is likely to be tolerated. In summary, the available evidence is currently insufficient to determine the role of this variant in disease. Therefore, it has been classified as a Variant of Uncertain Significance.

NM_004104.5(FASN):c.6886G>T (p.Val2296Leu)

Gene: FASN (fatty acid synthase; minus strand). Cytogenetic location: 17q25.3.
Variant type: single nucleotide variant.
Coding change: c.6886G>T on transcript NM_004104.5 (MANE Select); coding-DNA position 6886, G replaced by T.
Protein change: p.Val2296Leu; replaces valine 2296 with leucine.
Molecular consequence: missense variant.
Genome position (GRCh38, 1-based): chr17:82,080,531, C>A on the plus strand (G>T on the coding strand, the complement: FASN is on the minus strand). VCF-style: chr17-82080531-C-A. GRCh37 (hg19) VCF-style: chr17-80038407-C-A.
Other names: short protein forms V2296L.
Identifiers: ClinVar variation 2740800 (VCV002740800.3), dbSNP rs773891955, ClinGen allele CA8851160.